The following is an entry in ClinVar:

ClinVar aggregate classification (germline): Uncertain significance (1 of 4 stars; one submission).

Conditions:
Hereditary cancer-predisposing syndrome. Also called: Neoplastic Syndromes, Hereditary; Tumor predisposition; Hereditary Cancer Syndrome; Hereditary neoplastic syndrome. Identifiers: Orphanet 140162, MedGen C0027672, MeSH D009386, MONDO:0015356.

Submission:

Ambry Genetics
Classification: Uncertain significance for Hereditary cancer-predisposing syndrome. Last evaluated: 2022-06-09. Review status: criteria provided, single submitter. Criteria: Ambry Variant Classification Scheme 2023. Collection method: clinical testing. Allele origin: germline.
Comment: The p.E419D variant (also known as c.1257G>C), located in coding exon 7 of the SMARCA4 gene, results from a G to C substitution at nucleotide position 1257. The glutamic acid at codon 419 is replaced by aspartic acid, an amino acid with highly similar properties. This amino acid position is highly conserved in available vertebrate species. In addition, this alteration is predicted to be tolerated by in silico analysis. Missense and in-frame variants in SMARCA4 are known to cause neurodevelopmental disorders; however, such associations with rhabdoid tumor predisposition syndrome including small cell carcinoma of the ovary-hypercalcemic type (SCCOHT) are exceedingly rare (Kosho T et al. Am J Med Genet C Semin Med Genet. 2014 Sep;166C(3):262-75; Jelinic P et al. Nat Genet. 2014 May;46(5):424-6). Based on the supporting evidence, the association of this alteration with Coffin-Siris syndrome is unknown; however, the association of this alteration with rhabdoid tumor predisposition syndrome is unlikely.

NM_003072.5(SMARCA4):c.1257G>C (p.Glu419Asp)

Gene: SMARCA4 (SWI/SNF related BAF chromatin remodeling complex subunit ATPase 4; plus strand). Cytogenetic location: 19p13.2.
Variant type: single nucleotide variant.
Coding change: c.1257G>C on transcript NM_003072.5 (MANE Select); coding-DNA position 1257, G replaced by C.
Protein change: p.Glu419Asp; replaces glutamic acid 419 with aspartic acid.
Molecular consequence: missense variant. On other transcripts: non-coding transcript variant (1).
Genome position (GRCh38, 1-based): chr19:10,991,161, G>C. VCF-style: chr19-10991161-G-C. GRCh37 (hg19) VCF-style: chr19-11101837-G-C.
Other names: c.1257G>C, p.Glu419Asp (NM_001128844.3, NM_001128845.2, NM_001128846.2 and 6 more transcripts); short protein forms E419D.
Identifiers: ClinVar variation 1762174 (VCV001762174.2), dbSNP rs878854199, ClinGen allele CA404060507.
Genomic context (GRCh38, chr19:10,991,161, plus strand): 5'-ATGCCACAGAGCTGTGCAGTGCGCGGGCTTGTCCTCTTCCCTCCTACAGCTGCGCCAGGA[G>C]GTGGTGGTGTGCATGCGGAGGGACACAGCGCTGGAGACAGCCCTCAATGCTAAGGCCTAC-3'
Protein context (NP_003063.2, residues 409-429): LLNFQRQLRQ[Glu419Asp]VVVCMRRDTA